The following is an entry in ClinVar:

NM_032776.3(JMJD1C):c.2111T>C (p.Ile704Thr)

Gene: JMJD1C (jumonji domain containing 1C; minus strand). Cytogenetic location: 10q21.3.
Variant type: single nucleotide variant.
Coding change: c.2111T>C on transcript NM_032776.3 (MANE Select); coding-DNA position 2111, T replaced by C.
Protein change: p.Ile704Thr; replaces isoleucine 704 with threonine.
Molecular consequence: missense variant. On other transcripts: non-coding transcript variant (1).
Genome position (GRCh38, 1-based): chr10:63,214,056, A>G on the plus strand (T>C on the coding strand, the complement: JMJD1C is on the minus strand). VCF-style: chr10-63214056-A-G. GRCh37 (hg19) VCF-style: chr10-64973816-A-G.
Other names: c.1565T>C, p.Ile522Thr (NM_001282948.2, NM_001318154.2); c.1247T>C, p.Ile416Thr (NM_001318153.2); c.1997T>C, p.Ile666Thr (NM_001322252.2); c.1454T>C, p.Ile485Thr (NM_001322254.2, NM_001322258.2); short protein forms I416T, I485T, I522T, I666T, I704T.
Identifiers: ClinVar variation 1027102 (VCV001027102.8), dbSNP rs759962379, ClinGen allele CA5518683.

ClinVar aggregate classification (germline): Uncertain significance (1 of 4 stars; one submission).

Conditions:
Early Myoclonic Encephalopathy. Identifiers: MedGen C0270855.

Allele frequency attached by ClinVar (database versions not stated): ExAC 0.00001; gnomAD exomes below 0.00001 and 0.00001.
gnomAD v4.1: 5 of 1,614,188 alleles (0.00031%); highest among the groups gnomAD compares: South Asian, 0.0022%; no homozygotes.

Submission:

Labcorp Genetics (formerly Invitae), Labcorp
Classification: Uncertain significance for Early Myoclonic Encephalopathy. Last evaluated: 2022-08-16. Review status: criteria provided, single submitter. Criteria: Invitae Variant Classification Sherloc (09022015). Collection method: clinical testing. Allele origin: germline.
Comment: In summary, the available evidence is currently insufficient to determine the role of this variant in disease. Therefore, it has been classified as a Variant of Uncertain Significance. Algorithms developed to predict the effect of missense changes on protein structure and function are either unavailable or do not agree on the potential impact of this missense change (SIFT: "Deleterious"; PolyPhen-2: "Probably Damaging"; Align-GVGD: "Class C0"). ClinVar contains an entry for this variant (Variation ID: 1027102). This variant has not been reported in the literature in individuals affected with JMJD1C-related conditions. This variant is present in population databases (rs759962379, gnomAD 0.003%). This sequence change replaces isoleucine, which is neutral and non-polar, with threonine, which is neutral and polar, at codon 704 of the JMJD1C protein (p.Ile704Thr).